The following is an entry in ClinVar:

ClinVar aggregate classification (germline): Uncertain significance (1 of 4 stars; one submission).

Conditions:
Nemaline myopathy 9 (NEM9). Identifiers: MedGen C3810384, MONDO:0014326, OMIM 615731.

Allele frequency attached by ClinVar (database versions not stated): ExAC 0.00001; gnomAD exomes 0.00001; TOPMed 0.00001.
gnomAD v4.1: 18 of 1,610,712 alleles (0.0011%); highest among the groups gnomAD compares: Non-Finnish European, 0.0014%; no homozygotes.

Submission:

Labcorp Genetics (formerly Invitae), Labcorp
Classification: Uncertain significance for Nemaline myopathy 9. Last evaluated: 2021-12-09. Review status: criteria provided, single submitter. Criteria: Invitae Variant Classification Sherloc (09022015). Collection method: clinical testing. Allele origin: germline.
Comment: In summary, the available evidence is currently insufficient to determine the role of this variant in disease. Therefore, it has been classified as a Variant of Uncertain Significance. Algorithms developed to predict the effect of sequence changes on RNA splicing suggest that this variant may create or strengthen a splice site. Algorithms developed to predict the effect of missense changes on protein structure and function (SIFT, PolyPhen-2, Align-GVGD) all suggest that this variant is likely to be tolerated. This variant has not been reported in the literature in individuals affected with KLHL41-related conditions. This variant is present in population databases (rs747822404, gnomAD 0.002%). This sequence change replaces arginine, which is basic and polar, with glutamine, which is neutral and polar, at codon 5 of the KLHL41 protein (p.Arg5Gln).

NM_006063.3(KLHL41):c.14G>A (p.Arg5Gln)

Gene: KLHL41 (kelch like family member 41; plus strand). Cytogenetic location: 2q31.1.
Variant type: single nucleotide variant.
Coding change: c.14G>A on transcript NM_006063.3 (MANE Select); coding-DNA position 14, G replaced by A.
Protein change: p.Arg5Gln; replaces arginine 5 with glutamine.
Molecular consequence: missense variant.
Genome position (GRCh38, 1-based): chr2:169,509,792, G>A. VCF-style: chr2-169509792-G-A. GRCh37 (hg19) VCF-style: chr2-170366302-G-A.
Other names: short protein forms R5Q.
Identifiers: ClinVar variation 1415101 (VCV001415101.4), dbSNP rs747822404, ClinGen allele CA1956431.